The following is an entry in ClinVar:

ClinVar aggregate classification (germline): Benign/Likely benign. Review status: criteria provided, multiple submitters, no conflicts (2 of 4 stars). 3 submissions from 3 submitters: Benign (1); Likely benign (2). Last evaluated 2025-11-10.

Conditions:
Familial melanoma. Also called: Hereditary melanoma; Hereditary cutaneous melanoma. Identifiers: Orphanet 618, MedGen C1512419, MONDO:0018961.
Hereditary cancer-predisposing syndrome. Also called: Neoplastic Syndromes, Hereditary; Tumor predisposition; Hereditary Cancer Syndrome; Hereditary neoplastic syndrome. Identifiers: Orphanet 140162, MedGen C0027672, MeSH D009386, MONDO:0015356.
Melanoma, cutaneous malignant, susceptibility to, 3. Also called: Cutaneous malignant melanoma 3. Identifiers: Orphanet 618, MedGen C1836892, MONDO:0012183, OMIM 609048.

Allele frequency attached by ClinVar (database versions not stated): gnomAD exomes below 0.00001; gnomAD 0.00001.
gnomAD v4.1: 3 of 1,613,700 alleles (0.00019%); highest among the groups gnomAD compares: Non-Finnish European, 0.00025%; no homozygotes.

Submissions (3):

Labcorp Genetics (formerly Invitae), Labcorp
Classification: Likely benign for Familial melanoma. Last evaluated: 2025-11-10. Review status: criteria provided, single submitter. Criteria: Invitae Variant Classification Sherloc (09022015). Collection method: clinical testing. Allele origin: germline.

Myriad Genetics, Inc.
Classification: Benign for Melanoma, cutaneous malignant, susceptibility to, 3. Last evaluated: 2024-09-27. Review status: criteria provided, single submitter. Criteria: Myriad Autosomal Dominant, Autosomal Recessive and X-Linked Classification Criteria (2023). Collection method: clinical testing. Allele origin: unknown.
Comment: This variant is considered benign. This variant is a silent/synonymous amino acid change and it is not expected to impact splicing.

Ambry Genetics
Classification: Likely benign for Hereditary cancer-predisposing syndrome. Last evaluated: 2017-08-28. Review status: criteria provided, single submitter. Criteria: Ambry Variant Classification Scheme 2023. Collection method: clinical testing. Allele origin: germline.

NM_000075.4(CDK4):c.846G>A (p.Lys282=)

Genes: TSPAN31 (tetraspanin 31; plus strand), CDK4 (cyclin dependent kinase 4; minus strand). Cytogenetic location: 12q14.1.
Variant type: single nucleotide variant.
Coding change: c.846G>A on transcript NM_000075.4 (MANE Select); coding-DNA position 846, G replaced by A.
Protein change: p.Lys282=; no amino-acid change (lysine 282 retained).
Molecular consequence: synonymous variant. On other transcripts: 3 prime UTR variant (3).
Genome position (GRCh38, 1-based): chr12:57,748,591, C>T on the plus strand (G>A on the coding strand, the complement: CDK4 is on the minus strand). VCF-style: chr12-57748591-C-T. GRCh37 (hg19) VCF-style: chr12-58142374-C-T.
Other names: c.*1301C>T (NM_001330168.2, NM_001330169.2, NM_005981.5).
Identifiers: ClinVar variation 483311 (VCV000483311.17), dbSNP rs1248502310, ClinGen allele CA480299593.
Genomic context (GRCh38, chr12:57,748,591, plus strand): 5'-CGGATTACCTTCATCCTTATGTAGATAAGAGTGCTGCAGAGCTCGAAAGGCAGAGATTCG[C>T]TTGTGTGGGTTAAAAGTCAGCATTTCCTGAGGGGAGAGGCAAAGGTCAGAAAACCATGAA-3'
Protein context (NP_000066.1, residues 272-292): LLEMLTFNPH[Lys282=]RISAFRALQH